The following is an entry in ClinVar:

NM_138615.3(DHX30):c.1685A>G (p.His562Arg)

Gene: DHX30 (DExH-box helicase 30; plus strand). Cytogenetic location: 3p21.31.
Variant type: single nucleotide variant.
Coding change: c.1685A>G on transcript NM_138615.3 (MANE Select); coding-DNA position 1685, A replaced by G.
Protein change: p.His562Arg; replaces histidine 562 with arginine.
Molecular consequence: missense variant.
Genome position (GRCh38, 1-based): chr3:47,846,757, A>G. VCF-style: chr3-47846757-A-G. GRCh37 (hg19) VCF-style: chr3-47888247-A-G.
Other names: c.1601A>G, p.His534Arg (NM_001330990.2); c.1568A>G, p.His523Arg (NM_014966.4); short protein forms H562R, H523R, H534R.
Identifiers: ClinVar variation 402130 (VCV000402130.5), dbSNP rs1060499733, ClinGen allele CA16609494.
Genomic context (GRCh38, chr3:47,846,757, plus strand): 5'-GTAAGCTGCAGAGCAACCCCAGCCTGGAGGGCGTGAGCCACGTCATCGTGGATGAGGTGC[A>G]TGAGCGGGACGTGAACACAGACTTTCTGCTGATCCTGCTCAAGGGCCTGCAGCGGCTCAA-3'
Protein context (NP_619520.1, residues 552-572): GVSHVIVDEV[His562Arg]ERDVNTDFLL

ClinVar aggregate classification (germline): Pathogenic. Review status: criteria provided, single submitter (1 of 4 stars). 3 submissions from 3 submitters: Pathogenic (1). 2 of the submissions do not count toward it.

Conditions:
Autism (AUTS). Also called: Autistic disorder; Autistic disorder of childhood onset. Identifiers: MedGen C0004352, MeSH D001321, MONDO:0005260, OMIM 209850, HP:0000717.
Intellectual disability. Also called: Intellectual developmental disorder; Intellectual functioning disability; intellectual disabilities. Identifiers: MedGen C3714756, MeSH D008607, MONDO:0001071, HP:0001249.
Abnormal cerebral white matter morphology. Also called: Abnormality of the cerebral white matter. Identifiers: MedGen C0948163, HP:0002500.
Neurodevelopmental disorder with severe motor impairment and absent language. Also called: NEURODEVELOPMENTAL DISORDER WITH VARIABLE MOTOR AND LANGUAGE IMPAIRMENT. Identifiers: Orphanet 647788, MedGen C4540496, MONDO:0060622, OMIM 617804.
Global developmental delay (DD). Also called: Cognitive delay. Identifiers: MedGen C0557874, HP:0001263. Disease mechanism: loss of function.
Sleep disturbance. Also called: sleep difficulties. Identifiers: MedGen C0037317, HP:0002360.
Delayed speech and language development. Also called: Language delay. Identifiers: MedGen C0454644, HP:0000750.
Hearing impairment. Also called: Impaired Hearing. Identifiers: MedGen C1384666, MONDO:0005365, HP:0000365.
Microcephaly. Also called: Microcephaly (disease). Identifiers: MedGen C4551563, MONDO:0001149, HP:0000252.
Strabismus. Identifiers: MedGen C0038379, MONDO:0003432, HP:0000486.
Axial hypotonia. Also called: Muscular hypotonia of the trunk. Identifiers: MedGen C1853743, HP:0008936.

Submissions (3):

Lupski Lab, Baylor-Hopkins CMG, Baylor College of Medicine
Classification: Pathogenic for Microcephaly; Hearing impairment; Strabismus; Axial hypotonia; Delayed speech and language development; Global developmental delay; Sleep disturbance. Review status: criteria provided, single submitter. Criteria: Eldomery et al. (Genome Med. 2017). Collection method: research. Allele origin: de novo. Inheritance: Autosomal dominant inheritance. Affected: yes.

OMIM
Classification: Pathogenic for NEURODEVELOPMENTAL DISORDER WITH VARIABLE MOTOR AND SPEECH IMPAIRMENT. Last evaluated: 2023-02-27. Review status: no assertion criteria provided. Collection method: literature only. Allele origin: germline. Not counted in ClinVar's aggregate classification.

NIHR Bioresource Rare Diseases, University of Cambridge
Classification: Likely pathogenic for Abnormal cerebral white matter morphology; Intellectual disability; Autism. Review status: no assertion criteria provided. Collection method: research. Allele origin: unknown. Affected: yes. Observed: 1 variant allele. Not counted in ClinVar's aggregate classification.

Literature cited by the submitters: PubMed 29100085 (cited by OMIM); PubMed 32581362 (cited by NIHR Bioresource Rare Diseases, University of Cambridge).